The following is an entry in ClinVar:

ClinVar aggregate classification (germline): Uncertain significance (1 of 4 stars; one submission).

Conditions:
Dilated cardiomyopathy 1G (CMD1G). Identifiers: Orphanet 154, MedGen C1858763, MONDO:0011400, OMIM 604145.
Autosomal recessive limb-girdle muscular dystrophy type 2J (LGMDR10). Also called: Limb-girdle muscular dystrophy, type 2J; MUSCULAR DYSTROPHY, LIMB-GIRDLE, AUTOSOMAL RECESSIVE 10. Identifiers: Orphanet 140922, MedGen C1837342, MONDO:0012127, OMIM 608807.

Allele frequency attached by ClinVar (database versions not stated): gnomAD exomes below 0.00001; ExAC 0.00001.
gnomAD v4.1: 1 of 1,612,732 alleles (0.000062%); highest among the groups gnomAD compares: Non-Finnish European, 0.000085%; no homozygotes.

Submission:

Labcorp Genetics (formerly Invitae), Labcorp
Classification: Uncertain significance for Dilated cardiomyopathy 1G; Autosomal recessive limb-girdle muscular dystrophy type 2J. Last evaluated: 2023-12-31. Review status: criteria provided, single submitter. Criteria: Invitae Variant Classification Sherloc (09022015). Collection method: clinical testing. Allele origin: germline.
Comment: This sequence change replaces tyrosine, which is neutral and polar, with aspartic acid, which is acidic and polar, at codon 25396 of the TTN protein (p.Tyr25396Asp). This variant is present in population databases (rs771853872, gnomAD 0.0009%). This missense change has been observed in individual(s) with clinical features of dilated cardiomyopathy (Invitae). ClinVar contains an entry for this variant (Variation ID: 1346107). Experimental studies and prediction algorithms are not available or were not evaluated, and the functional significance of this variant is currently unknown. This variant is located in the A band of TTN (PMID: 25589632). Variants in this region may be relevant for cardiac or neuromuscular disorders (PMID: 25589632, 23975875). In summary, the available evidence is currently insufficient to determine the role of this variant in disease. Therefore, it has been classified as a Variant of Uncertain Significance.

Literature cited by the submitters: PubMed 25589632; PubMed 23975875.

NM_001267550.2(TTN):c.76186T>G (p.Tyr25396Asp)

Genes: TTN (titin; minus strand), TTN-AS1 (TTN antisense RNA 1; plus strand). Cytogenetic location: 2q31.2.
Variant type: single nucleotide variant.
Coding change: c.76186T>G on transcript NM_001267550.2 (MANE Select); coding-DNA position 76186, T replaced by G.
Protein change: p.Tyr25396Asp; replaces tyrosine 25396 with aspartic acid.
Molecular consequence: missense variant.
Genome position (GRCh38, 1-based): chr2:178,569,946, A>C on the plus strand (T>G on the coding strand, the complement: TTN is on the minus strand). VCF-style: chr2-178569946-A-C. GRCh37 (hg19) VCF-style: chr2-179434673-A-C.
Other names: c.71263T>G, p.Tyr23755Asp (NM_001256850.1); c.48991T>G, p.Tyr16331Asp (NM_003319.4); c.68482T>G, p.Tyr22828Asp (NM_133378.4); c.49366T>G, p.Tyr16456Asp (NM_133432.3); c.49567T>G, p.Tyr16523Asp (NM_133437.4); short protein forms Y16456D, Y22828D, Y25396D, Y16331D, Y16523D, Y23755D.
Identifiers: ClinVar variation 1346107 (VCV001346107.5), dbSNP rs771853872, ClinGen allele CA1989943.
Genomic context (GRCh38, chr2:178,569,946, plus strand): 5'-CTATGACTTTGGGGTTGTTTGGGGGTCCTGGTTTATAAATAGGATCACAAGCCTTTTGGT[A>C]AGCAGAAGGAGGGCTTGGTTCACTAAGTCCAGCAGCATTCTCAGCAGAAACTCTGAACTC-3'
Protein context (NP_001254479.2, residues 25386-25406): GLSEPSPPSA[Tyr25396Asp]QKACDPIYKP